The following is an entry in ClinVar:

GRCh38/hg38 12q13.2(chr12:55845043-55851177)x4

Gene: MMP19 (matrix metallopeptidase 19; minus strand). Cytogenetic location: 12q13.2.
Variant type: copy number gain.
Change: copy number 4 of chr12:55,845,043-55,851,177 (6.1 kb, GRCh38 coordinates, 1-based), cytogenetic band 12q13.2.
Identifiers: ClinVar variation 180748 (VCV000180748.2).

ClinVar aggregate classification (germline): Pathogenic (0 of 4 stars; one submission).

Conditions:
Familial cavitary optic disk anomaly. Also called: Cavitary optic disc anomaly; Cavitary optic disc anomalies; Familial cavitary optic disc anomaly. Identifiers: Orphanet 464760, MedGen C1969063, MONDO:0012687, OMIM 611543.

Submission:

Glaucoma Genetics Lab, University of Iowa
Classification: Pathogenic for Cavitary optic disc anomaly. Review status: no assertion criteria provided. Collection method: case-control, in vitro. Allele origin: germline. Inheritance: Autosomal dominant inheritance. Affected: yes. Observed: 19 variant alleles. Clinical features observed: optic pit, morning glory disc, optic nerve coloboma.
Comment: Examination of the cavitary optic disc anomaly (CODA) locus using a large CODA pedigree revealed a 6Kbp heterozygous triplication of DNA sequences upstream of MMP19 segregating with disease. No unaffected or normal subjects had this mutation in which in vitro studies show that the CNV leads to an increase in downstream gene expression.

Literature cited by the submitters: PubMed 17368552; PubMed 17362864; PubMed 25581579.